The following is an entry in ClinVar:

NM_058179.4(PSAT1):c.1060G>A (p.Val354Ile)

Gene: PSAT1 (phosphoserine aminotransferase 1; plus strand). Cytogenetic location: 9q21.2.
Variant type: single nucleotide variant.
Coding change: c.1060G>A on transcript NM_058179.4 (MANE Select); coding-DNA position 1060, G replaced by A.
Protein change: p.Val354Ile; replaces valine 354 with isoleucine.
Molecular consequence: missense variant.
Genome position (GRCh38, 1-based): chr9:78,329,033, G>A. VCF-style: chr9-78329033-G-A. GRCh37 (hg19) VCF-style: chr9-80943949-G-A.
Other names: c.922G>A, p.Val308Ile (NM_021154.5); short protein forms V308I, V354I.
Identifiers: ClinVar variation 977064 (VCV000977064.8), dbSNP rs776369732, ClinGen allele CA5095806.

ClinVar aggregate classification (germline): Uncertain significance. Review status: criteria provided, single submitter (1 of 4 stars). 2 submissions from 2 submitters: Uncertain significance (1). 1 of the submissions does not count toward it. Last evaluated 2025-02-24.

Conditions:
Neu-Laxova syndrome 2. Identifiers: Orphanet 2671, Orphanet 583602, MedGen C4015019, MONDO:0014466, OMIM 616038.

Allele frequency attached by ClinVar (database versions not stated): ExAC 0.00001; gnomAD exomes 0.00001; TOPMed 0.00001.

Submissions (2):

Labcorp Genetics (formerly Invitae), Labcorp
Classification: Uncertain significance for Neu-Laxova syndrome 2. Last evaluated: 2025-02-24. Review status: criteria provided, single submitter. Criteria: Invitae Variant Classification Sherloc (09022015). Collection method: clinical testing. Allele origin: germline.
Comment: This sequence change replaces valine, which is neutral and non-polar, with isoleucine, which is neutral and non-polar, at codon 354 of the PSAT1 protein (p.Val354Ile). This variant is present in population databases (rs776369732, gnomAD 0.0009%). This variant has not been reported in the literature in individuals affected with PSAT1-related conditions. ClinVar contains an entry for this variant (Variation ID: 977064). Invitae Evidence Modeling of protein sequence and biophysical properties (such as structural, functional, and spatial information, amino acid conservation, physicochemical variation, residue mobility, and thermodynamic stability) indicates that this missense variant is not expected to disrupt PSAT1 protein function with a negative predictive value of 80%. Experimental studies have shown that this missense change does not substantially affect PSAT1 function (PMID: 32077105). In summary, the available evidence is currently insufficient to determine the role of this variant in disease. Therefore, it has been classified as a Variant of Uncertain Significance.

Dudley Research Group, Pacific Northwest Research Institute
No classification provided. Review status: no classification provided. Collection method: research, in vivo. Allele origin: unknown, not applicable. Functional consequence: functionally_normal. Not counted in ClinVar's aggregate classification.

Literature cited by the submitters: PubMed 32077105 (cited by Labcorp Genetics (formerly Invitae), Labcorp).